The following is an entry in ClinVar:

NM_001365536.1(SCN9A):c.2311G>A (p.Glu771Lys)

Genes: SCN9A (sodium voltage-gated channel alpha subunit 9; minus strand), SCN1A-AS1 (SCN1A and SCN9A antisense RNA 1; plus strand). Cytogenetic location: 2q24.3.
Variant type: single nucleotide variant.
Coding change: c.2311G>A on transcript NM_001365536.1 (MANE Select); coding-DNA position 2311, G replaced by A.
Protein change: p.Glu771Lys; replaces glutamic acid 771 with lysine.
Molecular consequence: missense variant.
Genome position (GRCh38, 1-based): chr2:166,280,389, C>T on the plus strand (G>A on the coding strand, the complement: SCN9A is on the minus strand). VCF-style: chr2-166280389-C-T. GRCh37 (hg19) VCF-style: chr2-167136899-C-T.
Other names: c.2278G>A, p.Glu760Lys (NM_002977.4); short protein forms E760K, E771K.
Identifiers: ClinVar variation 1045250 (VCV001045250.11), dbSNP rs946496831, ClinGen allele CA59796554.

ClinVar aggregate classification (germline): Uncertain significance. Review status: criteria provided, multiple submitters, no conflicts (2 of 4 stars). 3 submissions from 3 submitters: Uncertain significance (3). Last evaluated 2025-12-13.

Conditions:
Inborn genetic diseases. Identifiers: MedGen C0950123, MeSH D030342.
Neuropathy, hereditary sensory and autonomic, type 2A (HSAN2A). Also called: HSAN IIA; WNK1-Related HSAN2 (HSAN2A); ACROOSTEOLYSIS, GIACCAI TYPE; ACROOSTEOLYSIS, NEUROGENIC; MORVAN DISEASE; NEUROPATHY, CONGENITAL SENSORY. Identifiers: Orphanet 970, MedGen C2752089, MONDO:0024309, OMIM 201300.
Generalized epilepsy with febrile seizures plus, type 7 (GEFSP7). Also called: GEFS+, TYPE 7. Identifiers: Orphanet 36387, MedGen C2751778, MONDO:0013470, OMIM 613863.

Allele frequency attached by ClinVar (database versions not stated): TOPMed below 0.00001; gnomAD 0.00001; gnomAD exomes 0.00001.
gnomAD v4.1: 4 of 1,583,962 alleles (0.00025%); highest among the groups gnomAD compares: Admixed American, 0.0018%; no homozygotes.

Submissions (3):

Labcorp Genetics (formerly Invitae), Labcorp
Classification: Uncertain significance for Neuropathy, hereditary sensory and autonomic, type 2A; Generalized epilepsy with febrile seizures plus, type 7. Last evaluated: 2025-12-13. Review status: criteria provided, single submitter. Criteria: Invitae Variant Classification Sherloc (09022015). Collection method: clinical testing. Allele origin: germline.
Comment: This sequence change replaces glutamic acid, which is acidic and polar, with lysine, which is basic and polar, at codon 760 of the SCN9A protein (p.Glu760Lys). The frequency data for this variant in the population databases is considered unreliable, as metrics indicate poor data quality at this position in the gnomAD database. This variant has not been reported in the literature in individuals affected with SCN9A-related conditions. ClinVar contains an entry for this variant (Variation ID: 1045250). Invitae Evidence Modeling of protein sequence and biophysical properties (such as structural, functional, and spatial information, amino acid conservation, physicochemical variation, residue mobility, and thermodynamic stability) indicates that this missense variant is not expected to disrupt SCN9A protein function with a negative predictive value of 95%. In summary, the available evidence is currently insufficient to determine the role of this variant in disease. Therefore, it has been classified as a Variant of Uncertain Significance.

Dasa
Classification: Uncertain significance. Last evaluated: 2024-10-29. Review status: criteria provided, single submitter. Criteria: DASA Assertion Criteria. Collection method: clinical testing. Allele origin: germline.
Comment: NM_001365536.1(SCN9A):c.2311G>A (p.Glu771Lys) is a missense variant that results in the substitution of glutamic acid with lysine. This variant is rare in population databases. Computational prediction algorithms are consistent with a benign effect. The currently available literature and clinical evidence are not sufficient to establish a definitive association between this variant and the reported condition. Therefore, this variant is classified as a variant of uncertain significance.

Ambry Genetics
Classification: Uncertain significance for Inborn genetic diseases. Last evaluated: 2020-02-18. Review status: criteria provided, single submitter. Criteria: Ambry Variant Classification Scheme 2023. Collection method: clinical testing. Allele origin: germline.
Comment: The p.E760K variant (also known as c.2278G>A), located in coding exon 13 of the SCN9A gene, results from a G to A substitution at nucleotide position 2278. The glutamic acid at codon 760 is replaced by lysine, an amino acid with similar properties. This amino acid position is not well conserved in available vertebrate species. In addition, the in silico prediction for this alteration is inconclusive. Since supporting evidence is limited at this time, the clinical significance of this alteration remains unclear.